The following is an entry in ClinVar:

ClinVar aggregate classification (germline): Uncertain significance (1 of 4 stars; one submission).

Conditions:
Inborn genetic diseases. Identifiers: MedGen C0950123, MeSH D030342.

gnomAD v4.1: 5 of 1,507,184 alleles (0.00033%); highest among the groups gnomAD compares: East Asian, 0.0027%; no homozygotes.

Submission:

Ambry Genetics
Classification: Uncertain significance for Inborn genetic diseases. Last evaluated: 2024-12-01. Review status: criteria provided, single submitter. Criteria: Ambry Variant Classification Scheme 2023. Collection method: clinical testing. Allele origin: germline.
Comment: The p.K8N variant (also known as c.24G>T), located in coding exon 1 of the ASXL1 gene, results from a G to T substitution at nucleotide position 24. The lysine at codon 8 is replaced by asparagine, an amino acid with similar properties. This amino acid position is conserved. In addition, this alteration is predicted to be tolerated by in silico analysis. Based on the available evidence, the clinical significance of this variant remains unclear.

NM_015338.6(ASXL1):c.24G>T (p.Lys8Asn)

Gene: ASXL1 (ASXL transcriptional regulator 1; plus strand). Cytogenetic location: 20q11.21.
Variant type: single nucleotide variant.
Coding change: c.24G>T on transcript NM_015338.6 (MANE Select); coding-DNA position 24, G replaced by T.
Protein change: p.Lys8Asn; replaces lysine 8 with asparagine.
Molecular consequence: missense variant.
Genome position (GRCh38, 1-based): chr20:32,358,799, G>T. VCF-style: chr20-32358799-G-T. GRCh37 (hg19) VCF-style: chr20-30946602-G-T.
Other names: c.24G>T, p.Lys8Asn (NM_001164603.1); short protein forms K8N.
Identifiers: ClinVar variation 3439224 (VCV003439224.1).
Genomic context (GRCh38, chr20:32,358,799, plus strand): 5'-GTCCCGCGTGGAGCTGCCGCCGCCGCCGGGGAGAAGGATGAAGGACAAACAGAAGAAGAA[G>T]AAGGAGCGCACGTGGGCCGAGGCCGCGCGCCTGGTGAGGCGGACAGCCGAGGGGGGCTCC-3'
Protein context (NP_056153.2, residues 1-18): MKDKQKK[Lys8Asn]KERTWAEAAR